The following is an entry in ClinVar:

ClinVar aggregate classification (germline): Uncertain significance (1 of 4 stars; one submission).

Conditions:
CLTC-related disorder. Also called: CLTC-related condition.

Submission:

PreventionGenetics, part of Exact Sciences
Classification: Uncertain significance for CLTC-related condition. Last evaluated: 2025-04-29. Review status: criteria provided, single submitter. Criteria: ACMG Guidelines, 2015. Collection method: clinical testing. Allele origin: germline.
Comment: The CLTC c.376G>C variant is predicted to result in the amino acid substitution p.Val126Leu. To our knowledge, this variant has not been reported in the literature or in a large population database (gnomAD), indicating this variant is rare. At this time, the clinical significance of this variant is uncertain due to the absence of conclusive functional and genetic evidence.

NM_004859.4(CLTC):c.364G>C (p.Val122Leu)

Gene: CLTC (clathrin heavy chain; plus strand). Cytogenetic location: 17q23.1.
Variant type: single nucleotide variant.
Coding change: c.364G>C on transcript NM_004859.4 (MANE Select); coding-DNA position 364, G replaced by C.
Protein change: p.Val122Leu; replaces valine 122 with leucine.
Molecular consequence: missense variant.
Genome position (GRCh38, 1-based): chr17:59,647,511, G>C. VCF-style: chr17-59647511-G-C. GRCh37 (hg19) VCF-style: chr17-57724872-G-C.
Other names: c.376G>C, p.Val126Leu (NM_001288653.2); short protein forms V122L, V126L.
Identifiers: ClinVar variation 5000993 (VCV005000993.1).
Genomic context (GRCh38, chr17:59,647,511, plus strand): 5'-CATACCATGACTGATGATGTCACCTTTTGGAAATGGATCTCTTTGAATACGGTTGCTCTT[G>C]TTACGGATAATGCAGTTTATCACTGGAGTATGGAAGGAGAGTCTCAGCCAGTGAAAATGT-3'
Protein context (NP_004850.1, residues 112-132): KWISLNTVAL[Val122Leu]TDNAVYHWSM